The following is an entry in ClinVar:

NM_000432.4(MYL2):c.274+9GT[10]

Gene: MYL2 (myosin light chain 2; minus strand). Cytogenetic location: 12q24.11.
Variant type: Microsatellite.
Coding change: c.274+9GT[10] on transcript NM_000432.4 (MANE Select); ten copies in a row of the 2-base unit GT starting at c.274+9; the reference has nine copies in a row; one copy, 2 bases duplicated.
Molecular consequence: intron variant.
Genome position (GRCh38, 1-based): chr12:110,914,160-110,914,161, AC duplicated on the plus strand (GT on the coding strand, the reverse complement: MYL2 is on the minus strand); duplicating any 2 consecutive bases within chr12:110,914,160-110,914,177 gives the same sequence; the position shown is the placement nearest the transcript's 3' end. VCF-style (leftmost placement, unchanged base first): chr12-110914159-G-GAC. GRCh37 (hg19) VCF-style: chr12-111351963-G-GAC.
Other names: c.274+26_274+27insGT (NM_000432.3).
Identifiers: ClinVar variation 43462 (VCV000043462.13), dbSNP rs142567411, ClinGen allele CA009996.

ClinVar aggregate classification (germline): Benign/Likely benign. Review status: criteria provided, multiple submitters, no conflicts (2 of 4 stars). 5 submissions from 5 submitters: Benign (2); Likely benign (1). 2 of the submissions do not count toward it. Last evaluated 2020-09-30.

Conditions:
Cardiomyopathy (CMYO). Also called: Cardiomyopathies. Identifiers: Orphanet 167848, MedGen C0878544, MONDO:0004994, HP:0001638. Inheritance: Various modes of inheritance.

Submissions (5):

CHEO Genetics Diagnostic Laboratory, Children's Hospital of Eastern Ontario
Classification: Benign for Cardiomyopathy. Last evaluated: 2020-09-30. Review status: criteria provided, single submitter. Criteria: ACMG Guidelines, 2015. Collection method: clinical testing. Allele origin: germline.

GeneDx
Classification: Benign. Last evaluated: 2015-03-03. Review status: criteria provided, single submitter. Criteria: GeneDx Variant Classification Process June 2021. Collection method: clinical testing. Allele origin: germline. Affected: yes.

Laboratory for Molecular Medicine, Mass General Brigham Personalized Medicine
Classification: Likely benign. Last evaluated: 2011-01-26. Review status: criteria provided, single submitter. Criteria: LMM Criteria. Collection method: clinical testing. Allele origin: germline. Observed: 93 variant alleles.
Comment: 274+26_274+27insGT in intron 4 of MYL2: This variant is not expected to have cl inical or pathological significance because it does not alter an amino acid resi due and is not located in the highly conserved region of the 5' splice site.

Clinical Genetics DNA and cytogenetics Diagnostics Lab, Erasmus MC, Erasmus Medical Center
Classification: Benign. Review status: no assertion criteria provided. Collection method: clinical testing. Allele origin: germline. Affected: yes. Study: VKGL Data-share Consensus. Not counted in ClinVar's aggregate classification.

Joint Genome Diagnostic Labs from Nijmegen and Maastricht, Radboudumc and MUMC+
Classification: Benign. Review status: no assertion criteria provided. Collection method: clinical testing. Allele origin: germline. Affected: yes. Study: VKGL Data-share Consensus. Not counted in ClinVar's aggregate classification.